The following is an entry in ClinVar:

ClinVar aggregate classification (germline): Uncertain significance (1 of 4 stars; one submission).

Conditions:
Genitopatellar syndrome (GTPTS). Also called: Genitopatellar syndrome (GPS); ABSENT PATELLAE, SCROTAL HYPOPLASIA, RENAL ANOMALIES, FACIAL DYSMORPHISM, AND MENTAL RETARDATION. Identifiers: Orphanet 85201, MedGen C1853566, MONDO:0011640, OMIM 606170.

Allele frequency attached by ClinVar (database versions not stated): TOPMed below 0.00001; gnomAD 0.00001.
gnomAD v4.1: 1 of 1,614,030 alleles (0.000062%); highest among the groups gnomAD compares: Non-Finnish European, 0.000085%; no homozygotes.

Submission:

Labcorp Genetics (formerly Invitae), Labcorp
Classification: Uncertain significance for Genitopatellar syndrome. Last evaluated: 2023-03-25. Review status: criteria provided, single submitter. Criteria: Invitae Variant Classification Sherloc (09022015). Collection method: clinical testing. Allele origin: germline.
Comment: This variant has not been reported in the literature in individuals affected with KAT6B-related conditions. Advanced modeling of protein sequence and biophysical properties (such as structural, functional, and spatial information, amino acid conservation, physicochemical variation, residue mobility, and thermodynamic stability) performed at Invitae indicates that this missense variant is not expected to disrupt KAT6B protein function. In summary, the available evidence is currently insufficient to determine the role of this variant in disease. Therefore, it has been classified as a Variant of Uncertain Significance. This variant is not present in population databases (gnomAD no frequency). This sequence change replaces valine, which is neutral and non-polar, with alanine, which is neutral and non-polar, at codon 909 of the KAT6B protein (p.Val909Ala).

NM_012330.4(KAT6B):c.2726T>C (p.Val909Ala)

Gene: KAT6B (lysine acetyltransferase 6B; plus strand). Cytogenetic location: 10q22.2.
Variant type: single nucleotide variant.
Coding change: c.2726T>C on transcript NM_012330.4 (MANE Select); coding-DNA position 2726, T replaced by C.
Protein change: p.Val909Ala; replaces valine 909 with alanine.
Molecular consequence: missense variant.
Genome position (GRCh38, 1-based): chr10:75,020,678, T>C. VCF-style: chr10-75020678-T-C. GRCh37 (hg19) VCF-style: chr10-76780436-T-C.
Other names: c.2177T>C, p.Val726Ala (NM_001256468.2, NM_001370138.1); c.1850T>C, p.Val617Ala (NM_001256469.2, NM_001370139.1, NM_001370140.1 and 2 more transcripts); c.1688T>C, p.Val563Ala (NM_001370132.1); c.1037T>C, p.Val346Ala (NM_001370133.1); c.641T>C, p.Val214Ala (NM_001370134.1); c.383T>C, p.Val128Ala (NM_001370135.1); c.2726T>C, p.Val909Ala (NM_001370136.1, NM_001370137.1); c.1661T>C, p.Val554Ala (NM_001370143.1, NM_001370144.1); short protein forms V128A, V214A, V554A, V563A, V617A, V909A, V346A, V726A.
Identifiers: ClinVar variation 2715713 (VCV002715713.3), dbSNP rs1221996810, ClinGen allele CA377280825.